The following is an entry in ClinVar:

ClinVar aggregate classification (germline): Uncertain significance. Review status: criteria provided, multiple submitters, no conflicts (2 of 4 stars). 2 submissions from 2 submitters: Uncertain significance (2). Last evaluated 2022-06-20.

Allele frequency attached by ClinVar (database versions not stated): gnomAD exomes below 0.00001; TOPMed below 0.00001; ExAC 0.00001; gnomAD 0.00001.
gnomAD v4.1: 4 of 1,612,676 alleles (0.00025%); highest among the groups gnomAD compares: African/African-American, 0.0053%; no homozygotes.

Submissions (2):

Labcorp Genetics (formerly Invitae), Labcorp
Classification: Uncertain significance. Last evaluated: 2022-06-20. Review status: criteria provided, single submitter. Criteria: Invitae Variant Classification Sherloc (09022015). Collection method: clinical testing. Allele origin: germline.
Comment: ClinVar contains an entry for this variant (Variation ID: 1001202). This sequence change replaces isoleucine, which is neutral and non-polar, with valine, which is neutral and non-polar, at codon 285 of the IDH3A protein (p.Ile285Val). This variant is present in population databases (rs749974587, gnomAD 0.007%). This variant has not been reported in the literature in individuals affected with IDH3A-related conditions. Algorithms developed to predict the effect of missense changes on protein structure and function (SIFT, PolyPhen-2, Align-GVGD) all suggest that this variant is likely to be tolerated. Algorithms developed to predict the effect of sequence changes on RNA splicing suggest that this variant may create or strengthen a splice site. In summary, the available evidence is currently insufficient to determine the role of this variant in disease. Therefore, it has been classified as a Variant of Uncertain Significance.

Blueprint Genetics
Classification: Uncertain significance. Last evaluated: 2022-02-10. Review status: criteria provided, single submitter. Criteria: ACMG Guidelines, 2015. Collection method: clinical testing. Allele origin: germline.

NM_005530.3(IDH3A):c.853A>G (p.Ile285Val)

Gene: IDH3A (isocitrate dehydrogenase (NAD(+)) 3 catalytic subunit alpha; plus strand). Cytogenetic location: 15q25.1.
Variant type: single nucleotide variant.
Coding change: c.853A>G on transcript NM_005530.3 (MANE Select); coding-DNA position 853, A replaced by G.
Protein change: p.Ile285Val; replaces isoleucine 285 with valine.
Molecular consequence: missense variant.
Genome position (GRCh38, 1-based): chr15:78,165,065, A>G. VCF-style: chr15-78165065-A-G. GRCh37 (hg19) VCF-style: chr15-78457407-A-G.
Other names: short protein forms I285V.
Identifiers: ClinVar variation 1001202 (VCV001001202.9), dbSNP rs749974587, ClinGen allele CA7680686.